The following is an entry in ClinVar:

ClinVar aggregate classification (germline): Uncertain significance (1 of 4 stars; one submission).

Conditions:
Deficiency of acetyl-CoA acetyltransferase. Also called: 3-KETOTHIOLASE DEFICIENCY; 3-OXOTHIOLASE DEFICIENCY; MITOCHONDRIAL ACETOACETYL-CoA THIOLASE DEFICIENCY; Beta-ketothiolase deficiency. Identifiers: Orphanet 134, MedGen C1536500, MONDO:0008760, OMIM 203750. Disease mechanism: loss of function.

gnomAD v4.1: 1 of 1,614,052 alleles (0.000062%); highest among the groups gnomAD compares: Non-Finnish European, 0.000085%; no homozygotes.

Submission:

Labcorp Genetics (formerly Invitae), Labcorp
Classification: Uncertain significance for Deficiency of acetyl-CoA acetyltransferase. Last evaluated: 2026-01-06. Review status: criteria provided, single submitter. Criteria: Invitae Variant Classification Sherloc (09022015). Collection method: clinical testing. Allele origin: germline.
Comment: This sequence change replaces threonine, which is neutral and polar, with isoleucine, which is neutral and non-polar, at codon 200 of the ACAT1 protein (p.Thr200Ile). This variant is not present in population databases (gnomAD no frequency). This variant has not been reported in the literature in individuals affected with ACAT1-related conditions. Invitae Evidence Modeling of protein sequence and biophysical properties (such as structural, functional, and spatial information, amino acid conservation, physicochemical variation, residue mobility, and thermodynamic stability) has been performed for this missense variant. However, the output from this modeling did not meet the statistical confidence thresholds required to predict the impact of this variant on ACAT1 protein function. In summary, the available evidence is currently insufficient to determine the role of this variant in disease. Therefore, it has been classified as a Variant of Uncertain Significance.

NM_000019.4(ACAT1):c.599C>T (p.Thr200Ile)

Gene: ACAT1 (acetyl-CoA acetyltransferase 1; plus strand). Cytogenetic location: 11q22.3.
Variant type: single nucleotide variant.
Coding change: c.599C>T on transcript NM_000019.4 (MANE Select); coding-DNA position 599, C replaced by T.
Protein change: p.Thr200Ile; replaces threonine 200 with isoleucine.
Molecular consequence: missense variant. On other transcripts: non-coding transcript variant (2).
Genome position (GRCh38, 1-based): chr11:108,140,084, C>T. VCF-style: chr11-108140084-C-T. GRCh37 (hg19) VCF-style: chr11-108010811-C-T.
Other names: c.599C>T, p.Thr200Ile (NM_001386677.1); c.284C>T, p.Thr95Ile (NM_001386678.1); c.302C>T, p.Thr101Ile (NM_001386679.1); c.329C>T, p.Thr110Ile (NM_001386681.1, NM_001386682.1, NM_001386685.1 and 6 more transcripts); short protein forms T101I, T110I, T200I, T95I.
Identifiers: ClinVar variation 4797849 (VCV004797849.1).
Genomic context (GRCh38, chr11:108,140,084, plus strand): 5'-TTATGCAAAGTTAACTTTAAAATATTTCAACTTTTTATCAGGGCAGCTGTGCTGAGAATA[C>T]AGCAAAGAAGCTGAATATTGCACGAAATGAACAGGACGCTTATGCTATTAATTCTTATAC-3'
Protein context (NP_000010.1, residues 190-210): KIHMGSCAEN[Thr200Ile]AKKLNIARNE